The following is an entry in ClinVar:

NM_138694.4(PKHD1):c.11737C>T (p.Arg3913Cys)

Gene: PKHD1 (PKHD1 ciliary IPT domain containing fibrocystin/polyductin; minus strand). Cytogenetic location: 6p12.3.
Variant type: single nucleotide variant.
Coding change: c.11737C>T on transcript NM_138694.4 (MANE Select); coding-DNA position 11737, C replaced by T.
Protein change: p.Arg3913Cys; replaces arginine 3913 with cysteine.
Molecular consequence: missense variant.
Genome position (GRCh38, 1-based): chr6:51,627,045, G>A on the plus strand (C>T on the coding strand, the complement: PKHD1 is on the minus strand). VCF-style: chr6-51627045-G-A. GRCh37 (hg19) VCF-style: chr6-51491843-G-A.
Other names: short protein forms R3913C.
Identifiers: ClinVar variation 1327729 (VCV001327729.13), dbSNP rs151198392, ClinGen allele CA3850721.
Genomic context (GRCh38, chr6:51,627,045, plus strand): 5'-CTCCAAGCTTACCTTCTCCCACCACAGTGTCTTCTTTTTTGGGCCCTTGTGATTCTCGGC[G>A]TTTGGATGAGATGTGGATATGAATATTTTGATTATTAGTCTGGGATTCAGGAATCTCTTC-3'
Protein context (NP_619639.3, residues 3903-3923): QNIHIHISSK[Arg3913Cys]RESQGPKKED

ClinVar aggregate classification (germline): Conflicting classifications of pathogenicity. Review status: criteria provided, conflicting classifications (1 of 4 stars). 3 submissions from 3 submitters: Uncertain significance (2); Likely benign (1). Last evaluated 2026-07-30.

Conditions:
PKHD1-related disorder. Also called: PKHD1-related condition.
Autosomal recessive polycystic kidney disease (ARPKD). Also called: AR polycystic kidney disease. Identifiers: Orphanet 731, Orphanet 8378, MedGen C0085548, MeSH D017044, MONDO:0009889.

Allele frequency attached by ClinVar (database versions not stated): gnomAD exomes 0.00007 and 0.00011; ExAC 0.00014; ESP Exome Variant Server 0.00015; gnomAD 0.00017 and 0.00019; TOPMed 0.00020; 1000 Genomes Project 0.00040; 1000 Genomes Project 30x 0.00094.
gnomAD v4.1: 132 of 1,612,440 alleles (0.0082%); highest among the groups gnomAD compares: African/African-American, 0.048%; no homozygotes.

Submissions (3):

PreventionGenetics, part of Exact Sciences
Classification: Uncertain significance for PKHD1-related condition. Last evaluated: 2026-07-30. Review status: criteria provided, single submitter. Criteria: ACMG Guidelines, 2015. Collection method: clinical testing. Allele origin: germline.
Comment: The PKHD1 c.11737C>T variant is predicted to result in the amino acid substitution p.Arg3913Cys. This variant has been reported in an individual with polycystic kidney disease (Sharp et al 2005. PubMed ID: 15805161; Mantovani V et al 2020. PubMed ID: 32457805). This variant is reported in 0.064% of alleles in individuals of African descent in gnomAD, which may be too common to be causative of disease. At this time, the clinical significance of this variant is uncertain due to the absence of conclusive functional and genetic evidence.

Labcorp Genetics (formerly Invitae), Labcorp
Classification: Likely benign for Autosomal recessive polycystic kidney disease. Last evaluated: 2026-01-22. Review status: criteria provided, single submitter. Criteria: Invitae Variant Classification Sherloc (09022015). Collection method: clinical testing. Allele origin: germline.

GeneDx
Classification: Uncertain significance. Last evaluated: 2022-06-27. Review status: criteria provided, single submitter. Criteria: GeneDx Variant Classification Process June 2021. Collection method: clinical testing. Allele origin: germline. Affected: yes.
Comment: Observed in a patient with a clinical diagnosis of ARPKD in published literature, but additional information is not available (Sharp et al., 2005); In silico analysis supports that this missense variant does not alter protein structure/function; This variant is associated with the following publications: (PMID: 32457805, 15805161)